The following is an entry in ClinVar:

ClinVar aggregate classification (germline): Benign/Likely benign. Review status: criteria provided, multiple submitters, no conflicts (2 of 4 stars). 10 submissions from 9 submitters: Benign (2); Likely benign (7). 1 of the submissions does not count toward it. Last evaluated 2026-01-06.

Conditions:
Melanoma, uveal, susceptibility to, 2 (UVM2). Also called: Melanoma, uveal 2. Identifiers: Orphanet 39044, MedGen C1847723, MONDO:0011696, OMIM 606661.
Hereditary cancer-predisposing syndrome. Also called: Hereditary Cancer Syndrome; Neoplastic Syndromes, Hereditary; Tumor predisposition; Hereditary neoplastic syndrome. Identifiers: Orphanet 140162, MedGen C0027672, MeSH D009386, MONDO:0015356.
BAP1-related tumor predisposition syndrome (TPDS1). Also called: Tumor susceptibility linked to germline BAP1 mutations; BAP1 tumor predisposition syndrome; COMMON Syndrome; TUMOR PREDISPOSITION SYNDROME 1. Identifiers: Orphanet 289539, MedGen C3280492, MONDO:0013692, OMIM 614327.
BAP1-related disorder. Also called: BAP1-related condition.

Allele frequency attached by ClinVar (database versions not stated): gnomAD 0.00001; TOPMed 0.00002; gnomAD exomes 0.00006 and 0.00009; ESP Exome Variant Server 0.00008; ExAC 0.00012.
gnomAD v4.1: 84 of 1,613,620 alleles (0.0052%); highest among the groups gnomAD compares: South Asian, 0.02%; no homozygotes.

Submissions (10):

Labcorp Genetics (formerly Invitae), Labcorp
Classification: Likely benign for BAP1-related tumor predisposition syndrome. Last evaluated: 2026-01-06. Review status: criteria provided, single submitter. Criteria: Invitae Variant Classification Sherloc (09022015). Collection method: clinical testing. Allele origin: germline.

Quest Diagnostics Nichols Institute San Juan Capistrano
Classification: Likely benign. Last evaluated: 2025-07-02. Review status: criteria provided, single submitter. Criteria: Quest Diagnostics criteria. Collection method: clinical testing. Allele origin: unknown.

KCCC/NGS Laboratory, Kuwait Cancer Control Center
Classification: Benign for BAP1-related tumor predisposition syndrome. Last evaluated: 2025-02-01. Review status: criteria provided, single submitter. Criteria: ACMG Guidelines, 2015. Collection method: clinical testing. Allele origin: germline. Affected: no.

Myriad Genetics, Inc.
Classification: Benign for BAP1-related tumor predisposition syndrome. Last evaluated: 2024-07-15. Review status: criteria provided, single submitter. Criteria: Myriad Autosomal Dominant, Autosomal Recessive and X-Linked Classification Criteria (2023). Collection method: clinical testing. Allele origin: unknown.
Comment: This variant is considered benign. This variant is a silent/synonymous amino acid change and it is not expected to impact splicing.

ARUP Laboratories, Molecular Genetics and Genomics, ARUP Laboratories
Classification: Likely benign. Last evaluated: 2023-10-11. Review status: criteria provided, single submitter. Criteria: ARUP Molecular Germline Variant Investigation Process 2024. Collection method: clinical testing. Allele origin: germline.

KCCC/NGS Laboratory, Kuwait Cancer Control Center
Classification: Likely benign for Melanoma, uveal, susceptibility to, 2. Last evaluated: 2023-07-07. Review status: criteria provided, single submitter. Criteria: ACMG Guidelines, 2015. Collection method: clinical testing. Allele origin: germline. Affected: yes.

GeneDx
Classification: Likely benign. Last evaluated: 2020-11-18. Review status: criteria provided, single submitter. Criteria: GeneDx Variant Classification Process June 2021. Collection method: clinical testing. Allele origin: germline. Affected: yes.

Ambry Genetics
Classification: Likely benign for Hereditary cancer-predisposing syndrome. Last evaluated: 2018-12-26. Review status: criteria provided, single submitter. Criteria: Ambry Variant Classification Scheme 2023. Collection method: clinical testing. Allele origin: germline.

Color Diagnostics, LLC DBA Color Health
Classification: Likely benign for Hereditary cancer-predisposing syndrome. Last evaluated: 2016-03-09. Review status: criteria provided, single submitter. Criteria: ACMG Guidelines, 2015. Collection method: clinical testing. Allele origin: germline.

PreventionGenetics, part of Exact Sciences
Classification: Likely benign for BAP1-related condition. Last evaluated: 2022-11-04. Review status: no assertion criteria provided. Collection method: clinical testing. Allele origin: germline. Not counted in ClinVar's aggregate classification.
Comment: This variant is classified as likely benign based on ACMG/AMP sequence variant interpretation guidelines (Richards et al. 2015 PMID: 25741868, with internal and published modifications).

NM_004656.4(BAP1):c.1134G>A (p.Ala378=)

Gene: BAP1 (BRCA1 associated deubiquitinase 1; minus strand). Cytogenetic location: 3p21.1.
Variant type: single nucleotide variant.
Coding change: c.1134G>A on transcript NM_004656.4 (MANE Select); coding-DNA position 1134, G replaced by A.
Protein change: p.Ala378=; no amino-acid change (alanine 378 retained).
Molecular consequence: synonymous variant.
Genome position (GRCh38, 1-based): chr3:52,404,569, C>T on the plus strand (G>A on the coding strand, the complement: BAP1 is on the minus strand). VCF-style: chr3-52404569-C-T. GRCh37 (hg19) VCF-style: chr3-52438585-C-T.
Identifiers: ClinVar variation 490773 (VCV000490773.25), dbSNP rs371493799, ClinGen allele CA2436893.
Genomic context (GRCh38, chr3:52,404,569, plus strand): 5'-CTCATCATCTGAGTACTGCTGGGGTGGGCGGACTGGAACTCGGCTGCGGCCCACACCTGC[C>T]GCCAGGTCTTCTTCCTCCTGGGACAAAGACCAGGGCAGTTACAAACAAGTGCTGCTCGGC-3'
Protein context (NP_004647.1, residues 368-388): KSPMQEEEDL[Ala378=]AGVGRSRVPV